The following is an entry in ClinVar:

NM_003280.3(TNNC1):c.94G>A (p.Glu32Lys)

Gene: TNNC1 (troponin C1, slow skeletal and cardiac type; minus strand). Cytogenetic location: 3p21.1.
Variant type: single nucleotide variant.
Coding change: c.94G>A on transcript NM_003280.3 (MANE Select); coding-DNA position 94, G replaced by A.
Protein change: p.Glu32Lys; replaces glutamic acid 32 with lysine.
Molecular consequence: missense variant.
Genome position (GRCh38, 1-based): chr3:52,452,214, C>T on the plus strand (G>A on the coding strand, the complement: TNNC1 is on the minus strand). VCF-style: chr3-52452214-C-T. GRCh37 (hg19) VCF-style: chr3-52486230-C-T.
Other names: c.94G>A (LRG_378t1); short protein forms E32K.
Identifiers: ClinVar variation 537983 (VCV000537983.7), dbSNP rs1553651750, ClinGen allele CA353169283.

ClinVar aggregate classification (germline): Uncertain significance. Review status: criteria provided, multiple submitters, no conflicts (2 of 4 stars). 2 submissions from 2 submitters: Uncertain significance (2). Last evaluated 2022-12-23.

Conditions:
Cardiovascular phenotype. Identifiers: MedGen CN230736.
Hypertrophic cardiomyopathy 13. Also called: TNNC1-Related Familial Hypertrophic Cardiomyopathy. Identifiers: MedGen C2750472, MONDO:0013195, OMIM 613243.
Dilated cardiomyopathy 1Z (CMD1Z). Identifiers: Orphanet 154, MedGen C2678475, MONDO:0012745, OMIM 611879.

Submissions (2):

Ambry Genetics
Classification: Uncertain significance for Cardiovascular phenotype. Last evaluated: 2022-12-23. Review status: criteria provided, single submitter. Criteria: Ambry Variant Classification Scheme 2023. Collection method: clinical testing. Allele origin: germline.
Comment: The p.E32K variant (also known as c.94G>A), located in coding exon 3 of the TNNC1 gene, results from a G to A substitution at nucleotide position 94. The glutamic acid at codon 32 is replaced by lysine, an amino acid with similar properties. This amino acid position is conserved. In addition, this alteration is predicted to be deleterious by in silico analysis. Since supporting evidence is limited at this time, the clinical significance of this alteration remains unclear.

Labcorp Genetics (formerly Invitae), Labcorp
Classification: Uncertain significance for Hypertrophic cardiomyopathy 13; Dilated cardiomyopathy 1Z. Last evaluated: 2022-11-08. Review status: criteria provided, single submitter. Criteria: Invitae Variant Classification Sherloc (09022015). Collection method: clinical testing. Allele origin: germline.
Comment: This sequence change replaces glutamic acid, which is acidic and polar, with lysine, which is basic and polar, at codon 32 of the TNNC1 protein (p.Glu32Lys). This variant is not present in population databases (gnomAD no frequency). This variant has not been reported in the literature in individuals affected with TNNC1-related conditions. ClinVar contains an entry for this variant (Variation ID: 537983). Algorithms developed to predict the effect of missense changes on protein structure and function are either unavailable or do not agree on the potential impact of this missense change (SIFT: "Tolerated"; PolyPhen-2: "Probably Damaging"; Align-GVGD: "Class C0"). In summary, the available evidence is currently insufficient to determine the role of this variant in disease. Therefore, it has been classified as a Variant of Uncertain Significance.